The following is an entry in ClinVar:

ClinVar aggregate classification (germline): Pathogenic. Review status: criteria provided, multiple submitters, no conflicts (2 of 4 stars). 2 submissions from 2 submitters: Pathogenic (2). Last evaluated 2025-10-28.

Conditions:
Tuberous sclerosis 1 (TSC1). Identifiers: Orphanet 805, MedGen C1854465, MONDO:0008612, OMIM 191100.

Submissions (2):

Labcorp Genetics (formerly Invitae), Labcorp
Classification: Pathogenic for Tuberous sclerosis 1. Last evaluated: 2025-10-28. Review status: criteria provided, single submitter. Criteria: Invitae Variant Classification Sherloc (09022015). Collection method: clinical testing. Allele origin: germline.
Comment: This sequence change creates a premature translational stop signal (p.Phe707delinsLeuArgProValAlaPheThrAlaGlnProValThrLeu*) in the TSC1 gene. It is expected to result in an absent or disrupted protein product. Loss-of-function variants in TSC1 are known to be pathogenic (PMID: 10227394, 17304050). This variant is not present in population databases (gnomAD no frequency). This variant has not been reported in the literature in individuals affected with TSC1-related conditions. ClinVar contains an entry for this variant (Variation ID: 280887). For these reasons, this variant has been classified as Pathogenic.

GeneDx
Classification: Pathogenic. Last evaluated: 2016-09-20. Review status: criteria provided, single submitter. Criteria: GeneDx Variant Classification (06012015). Collection method: clinical testing. Allele origin: germline. Affected: yes.
Comment: The c.2075_2120dup46 pathogenic variant in the TSC1 gene causes a frameshift starting with codon Phenylalanine 707, changes this amino acid to a Leucine residue and creates a premature Stop codon at position 14 of the new reading frame, denoted p.Phe707LeufsX14. This pathogenic variant is predicted to cause loss of normal protein function either through protein truncation or nonsense-mediated mRNA decay. Furthermore, it was not observed in approximately 6,500 individuals of European and African American ancestry in the NHLBI Exome Sequencing Project, indicating it is not a common benign variant in these populations.

Literature cited by the submitters: PubMed 10227394 (cited by Labcorp Genetics (formerly Invitae), Labcorp); PubMed 17304050 (cited by Labcorp Genetics (formerly Invitae), Labcorp).

NM_000368.5(TSC1):c.2075_2120dup (p.Phe707delinsLeuArgProValAlaPheThrAlaGlnProValThrLeuTer)

Gene: TSC1 (TSC complex subunit 1; minus strand). Cytogenetic location: 9q34.13.
Variant type: Duplication.
Coding change: c.2075_2120dup on transcript NM_000368.5 (MANE Select); coding-DNA positions 2075 to 2120, 46 bases duplicated.
Protein change: p.Phe707delinsLeuArgProValAlaPheThrAlaGlnProValThrLeuTer.
Molecular consequence: nonsense.
Genome position (GRCh38, 1-based): chr9:132,903,739-132,903,784, 46 bases duplicated. GRCh37 (hg19): chr9:135,779,126-135,779,171.
Other names: c.2075_2120dupGAGACCAGTTGCTTTTACTGCACAACCAGTTACTCTATGAGCGTTT (NM_000368.4); c.2072_2117dup, p.Phe706delinsLeuArgProValAlaPheThrAlaGlnProValThrLeuTer (NM_001162426.2); c.1922_1967dup, p.Phe656delinsLeuArgProValAlaPheThrAlaGlnProValThrLeuTer (NM_001162427.2); c.1712_1757dup, p.Phe586delinsLeuArgProValAlaPheThrAlaGlnProValThrLeuTer (NM_001362177.2).
Identifiers: ClinVar variation 280887 (VCV000280887.3), dbSNP rs886042012, ClinGen allele CA10603025.